The following is an entry in ClinVar:

NM_020928.2(ZSWIM6):c.622C>A (p.Arg208Ser)

Gene: ZSWIM6 (zinc finger SWIM-type containing 6; plus strand). Cytogenetic location: 5q12.1.
Variant type: single nucleotide variant.
Coding change: c.622C>A on transcript NM_020928.2 (MANE Select); coding-DNA position 622, C replaced by A.
Protein change: p.Arg208Ser; replaces arginine 208 with serine.
Molecular consequence: missense variant.
Genome position (GRCh38, 1-based): chr5:61,332,894, C>A. VCF-style: chr5-61332894-C-A. GRCh37 (hg19) VCF-style: chr5-60628721-C-A.
Other names: short protein forms R208S.
Identifiers: ClinVar variation 3067795 (VCV003067795.21), dbSNP rs1221249652, ClinGen allele CA359941085.

ClinVar aggregate classification (germline): Uncertain significance (1 of 4 stars; one submission).

Submission:

CeGaT Center for Human Genetics Tuebingen
Classification: Uncertain significance. Last evaluated: 2024-03-01. Review status: criteria provided, single submitter. Criteria: CeGaT Center For Human Genetics Tuebingen Variant Classification Criteria Version 2. Collection method: clinical testing. Allele origin: germline. Affected: yes. Observed: 1 variant allele.
Comment: ZSWIM6: PM2